The following is an entry in ClinVar:

ClinVar aggregate classification (germline): Likely pathogenic. Review status: reviewed by expert panel (3 of 4 stars). 2 submissions from 2 submitters: Likely pathogenic (1). 1 of the submissions does not count toward it. Last evaluated 2025-08-01.

Conditions:
Malignant hyperthermia of anesthesia. Also called: Anesthesic-triggered malignant hyperthermia. Identifiers: Orphanet 423, MedGen C0024591, MONDO:0018493, HP:0034733.
RYR1-related disorder. Also called: RYR1-related disorders; RYR1-related condition. Identifiers: MedGen CN239331.

Submissions (2):

ClinGen Malignant Hyperthermia Susceptibility Variant Curation Expert Panel, ClinGen
Classification: Likely pathogenic for Malignant hyperthermia of anesthesia. Last evaluated: 2025-08-01. Review status: reviewed by expert panel. Criteria: ClinGen MHS ACMG Specifications V2. Collection method: curation. Allele origin: germline. Inheritance: Autosomal dominant inheritance.
Comment: This pathogenicity assessment is relevant only for malignant hyperthermia susceptibility (MHS) inherited in an autosomal dominant pattern. Variants in RYR1 can also cause other myopathies inherited in an autosomal dominant pattern or in an autosomal recessive pattern. Some of these disorders may predispose individuals to malignant hyperthermia. RYR1 variants may also contribute to a malignant hyperthermia reaction in combination with other genetic and non-genetic factors and the clinician needs to consider such factors in making management decisions. This sequence variant predicts a substitution of aspartic acid with histidine at codon 1056 of the RYR1 protein, p.Asp1056His. This variant was not present in a large population database (gnomAD) at the time this variant was interpreted. This variant has been reported in two unrelated individuals who have a personal or family history of a malignant hyperthermia reaction, both of these individuals had a positive in vitro contracture test (IVCT) or caffeine halothane contracture test (CHCT) result (if the proband was unavailable for testing, a positive diagnostic test result in a mutation-positive relative was counted), PS4_Moderate (PMID:30236257). No functional studies were identified for this variant. This variant does not reside in a hotspot for pathogenic variants that contribute to MHS. This variant segregates with MHS in two families with a total of fourteen informative meioses, PP1_Strong (PMID:24013571, The UK (Leeds) MH Unit). A REVEL score of 0.824 supports neither a pathogenic nor a benign status for this variant. This variant has been classified as a Likely Pathogenic. Criteria implemented: PS4_Moderate, PP1_Strong.

Labcorp Genetics (formerly Invitae), Labcorp
Classification: Pathogenic for RYR1-related disorder. Last evaluated: 2021-10-23. Review status: criteria provided, single submitter. Criteria: Invitae Variant Classification Sherloc (09022015). Collection method: clinical testing. Allele origin: germline. Not counted in ClinVar's aggregate classification.
Comment: Advanced modeling of protein sequence and biophysical properties (such as structural, functional, and spatial information, amino acid conservation, physicochemical variation, residue mobility, and thermodynamic stability) performed at Invitae indicates that this missense variant is expected to disrupt RYR1 protein function. This variant disrupts the p.Asp1056 amino acid residue in RYR1. Other variant(s) that disrupt this residue have been observed in individuals with RYR1-related conditions (PMID: 20681998), which suggests that this may be a clinically significant amino acid residue. For these reasons, this variant has been classified as Pathogenic. This sequence change replaces aspartic acid, which is acidic and polar, with histidine, which is basic and polar, at codon 1056 of the RYR1 protein (p.Asp1056His). This variant is not present in population databases (gnomAD no frequency). This missense change has been observed in individual(s) with malignant hyperthermia (PMID: 24013571, 30236257). It has also been observed to segregate with disease in related individuals. ClinVar contains an entry for this variant (Variation ID: 1210300).

Literature cited by the submitters: PubMed 20681998 (cited by Labcorp Genetics (formerly Invitae), Labcorp); PubMed 24013571 (cited by Labcorp Genetics (formerly Invitae), Labcorp); PubMed 30236257 (cited by Labcorp Genetics (formerly Invitae), Labcorp).

NM_000540.3(RYR1):c.3166G>C (p.Asp1056His)

Gene: RYR1 (ryanodine receptor 1; plus strand). Cytogenetic location: 19q13.2.
Variant type: single nucleotide variant.
Coding change: c.3166G>C on transcript NM_000540.3 (MANE Select); coding-DNA position 3166, G replaced by C.
Protein change: p.Asp1056His; replaces aspartic acid 1056 with histidine.
Molecular consequence: missense variant.
Genome position (GRCh38, 1-based): chr19:38,466,386, G>C. VCF-style: chr19-38466386-G-C. GRCh37 (hg19) VCF-style: chr19-38957026-G-C.
Other names: c.3166G>C, p.Asp1056His (NM_001042723.2); short protein forms D1056H.
Identifiers: ClinVar variation 1210300 (VCV001210300.9), dbSNP rs2145447772, ClinGen allele CA405635961.
Genomic context (GRCh38, chr19:38,466,386, plus strand): 5'-GACAGCCTCTGCCAGGCCGTGCGCACCCTCCTGGGCTACGGCTACAACATCGAGCCTCCT[G>C]ACCAGGAGCCCAGTGAGTGCTCACCCCTGGCCCTGGCCCTGACTCCTACCCCAACTCTGA-3'
Protein context (NP_000531.2, residues 1046-1066): LGYGYNIEPP[Asp1056His]QEPSQVENQS